The following is an entry in ClinVar:

NM_005228.5(EGFR):c.611A>G (p.Glu204Gly)

Gene: EGFR (epidermal growth factor receptor; plus strand). Cytogenetic location: 7p11.2.
Variant type: single nucleotide variant.
Coding change: c.611A>G on transcript NM_005228.5 (MANE Select); coding-DNA position 611, A replaced by G.
Protein change: p.Glu204Gly; replaces glutamic acid 204 with glycine.
Molecular consequence: missense variant. On other transcripts: intron variant (1).
Genome position (GRCh38, 1-based): chr7:55,151,345, A>G. VCF-style: chr7-55151345-A-G. GRCh37 (hg19) VCF-style: chr7-55219038-A-G.
Other names: c.476A>G, p.Glu159Gly (NM_001346897.2, NM_001346899.2); c.611A>G, p.Glu204Gly (NM_001346898.2, NM_201282.2, NM_201283.2 and 1 more transcripts); c.452A>G, p.Glu151Gly (NM_001346900.2); c.89-4485A>G (NM_001346941.2); short protein forms E151G, E159G, E204G.
Identifiers: ClinVar variation 5035783 (VCV005035783.1).

ClinVar aggregate classification (germline): Uncertain significance (1 of 4 stars; one submission).

Conditions:
Hereditary cancer-predisposing syndrome. Also called: Hereditary Cancer Syndrome; Neoplastic Syndromes, Hereditary; Tumor predisposition; Hereditary neoplastic syndrome. Identifiers: Orphanet 140162, MedGen C0027672, MeSH D009386, MONDO:0015356.

Submission:

Ambry Genetics
Classification: Uncertain significance for Hereditary cancer-predisposing syndrome. Last evaluated: 2026-07-07. Review status: criteria provided, single submitter. Criteria: Ambry Variant Classification Scheme 2023. Collection method: clinical testing. Allele origin: germline.
Comment: The p.E204G variant (also known as c.611A>G), located in coding exon 5 of the EGFR gene, results from an A to G substitution at nucleotide position 611. The glutamic acid at codon 204 is replaced by glycine, an amino acid with similar properties. This amino acid position is conserved. In addition, this alteration is predicted to be tolerated by in silico analysis. Based on the available evidence, the clinical significance of this variant remains unclear.